The following is an entry in ClinVar:

ClinVar aggregate classification (germline): Likely pathogenic (1 of 4 stars; one submission).

Conditions:
Primary ciliary dyskinesia 28. Also called: CILIARY DYSKINESIA, PRIMARY, 28, WITH OR WITHOUT SITUS INVERSUS. Identifiers: Orphanet 244, MedGen C3809706, MONDO:0014216, OMIM 615505.

gnomAD v4.1: 5 of 1,599,036 alleles (0.00031%); highest among the groups gnomAD compares: Non-Finnish European, 0.00043%; no homozygotes.

Submission:

Labcorp Genetics (formerly Invitae), Labcorp
Classification: Likely pathogenic for Primary ciliary dyskinesia 28. Last evaluated: 2024-04-18. Review status: criteria provided, single submitter. Criteria: Invitae Variant Classification Sherloc (09022015). Collection method: clinical testing. Allele origin: germline.
Comment: This sequence change affects an acceptor splice site in intron 7 of the SPAG1 gene. It is expected to disrupt RNA splicing. Variants that disrupt the donor or acceptor splice site typically lead to a loss of protein function (PMID: 16199547), and loss-of-function variants in SPAG1 are known to be pathogenic (PMID: 24055112). This variant is not present in population databases (gnomAD no frequency). This variant has not been reported in the literature in individuals affected with SPAG1-related conditions. Algorithms developed to predict the effect of sequence changes on RNA splicing suggest that this variant may disrupt the consensus splice site. In summary, the currently available evidence indicates that the variant is pathogenic, but additional data are needed to prove that conclusively. Therefore, this variant has been classified as Likely Pathogenic.

Literature cited by the submitters: PubMed 16199547; PubMed 24055112.

NM_003114.5(SPAG1):c.702-1G>A

Gene: SPAG1 (sperm associated antigen 1; plus strand). Cytogenetic location: 8q22.2.
Variant type: single nucleotide variant.
Coding change: c.702-1G>A on transcript NM_003114.5 (MANE Select); the canonical splice acceptor site of the intron before coding-DNA position 702, G replaced by A.
Molecular consequence: splice acceptor variant.
Genome position (GRCh38, 1-based): chr8:100,187,119, G>A. VCF-style: chr8-100187119-G-A. GRCh37 (hg19) VCF-style: chr8-101199347-G-A.
Other names: c.702-1G>A (NM_001374321.1, NM_172218.3).
Identifiers: ClinVar variation 3646032 (VCV003646032.2).